The following is an entry in ClinVar:

ClinVar aggregate classification (germline): Uncertain significance (1 of 4 stars; one submission).

Conditions:
Early Myoclonic Encephalopathy. Identifiers: MedGen C0270855.

Allele frequency attached by ClinVar (database versions not stated): ExAC 0.00001; gnomAD 0.00002 and 0.00001; TOPMed 0.00001; gnomAD exomes below 0.00001.
gnomAD v4.1: 3 of 1,613,834 alleles (0.00019%); highest among the groups gnomAD compares: African/African-American, 0.0013%; no homozygotes.

Submission:

Labcorp Genetics (formerly Invitae), Labcorp
Classification: Uncertain significance for Early Myoclonic Encephalopathy. Last evaluated: 2024-10-23. Review status: criteria provided, single submitter. Criteria: Invitae Variant Classification Sherloc (09022015). Collection method: clinical testing. Allele origin: germline.
Comment: This sequence change replaces alanine, which is neutral and non-polar, with threonine, which is neutral and polar, at codon 930 of the JMJD1C protein (p.Ala930Thr). This variant is present in population databases (rs746714956, gnomAD 0.0009%). This variant has not been reported in the literature in individuals affected with JMJD1C-related conditions. ClinVar contains an entry for this variant (Variation ID: 940405). Invitae Evidence Modeling of protein sequence and biophysical properties (such as structural, functional, and spatial information, amino acid conservation, physicochemical variation, residue mobility, and thermodynamic stability) indicates that this missense variant is not expected to disrupt JMJD1C protein function with a negative predictive value of 80%. In summary, the available evidence is currently insufficient to determine the role of this variant in disease. Therefore, it has been classified as a Variant of Uncertain Significance.

NM_032776.3(JMJD1C):c.2788G>A (p.Ala930Thr)

Gene: JMJD1C (jumonji domain containing 1C; minus strand). Cytogenetic location: 10q21.3.
Variant type: single nucleotide variant.
Coding change: c.2788G>A on transcript NM_032776.3 (MANE Select); coding-DNA position 2788, G replaced by A.
Protein change: p.Ala930Thr; replaces alanine 930 with threonine.
Molecular consequence: missense variant. On other transcripts: non-coding transcript variant (1).
Genome position (GRCh38, 1-based): chr10:63,209,142, C>T on the plus strand (G>A on the coding strand, the complement: JMJD1C is on the minus strand). VCF-style: chr10-63209142-C-T. GRCh37 (hg19) VCF-style: chr10-64968902-C-T.
Other names: c.2242G>A, p.Ala748Thr (NM_001282948.2, NM_001318154.2); c.1924G>A, p.Ala642Thr (NM_001318153.2); c.2674G>A, p.Ala892Thr (NM_001322252.2); c.2131G>A, p.Ala711Thr (NM_001322254.2, NM_001322258.2); short protein forms A748T, A892T, A642T, A711T, A930T.
Identifiers: ClinVar variation 940405 (VCV000940405.9), dbSNP rs746714956, ClinGen allele CA5518562.